The following is an entry in ClinVar:

NM_002907.4(RECQL):c.1070A>C (p.His357Pro)

Gene: RECQL (RecQ like helicase; minus strand). Cytogenetic location: 12p12.1.
Variant type: single nucleotide variant.
Coding change: c.1070A>C on transcript NM_002907.4 (MANE Select); coding-DNA position 1070, A replaced by C.
Protein change: p.His357Pro; replaces histidine 357 with proline.
Molecular consequence: missense variant.
Genome position (GRCh38, 1-based): chr12:21,475,704, T>G on the plus strand (A>C on the coding strand, the complement: RECQL is on the minus strand). VCF-style: chr12-21475704-T-G. GRCh37 (hg19) VCF-style: chr12-21628638-T-G.
Other names: c.1070A>C, p.His357Pro (NM_032941.3); short protein forms H357P.
Identifiers: ClinVar variation 1783198 (VCV001783198.2), dbSNP rs1454176722, ClinGen allele CA384121231.
Genomic context (GRCh38, chr12:21,475,704, plus strand): 5'-AATTAGGCTTCTATGGAAGATATAGACCTAACCTGAATTTCATTGGCTGACCATTTTCTA[T>G]GAACTGTGGTCTTATCTTCTGGCTCCAAATTGGCATGGTAAGCACCTGCATGAATTCCCA-3'
Protein context (NP_002898.2, residues 347-367): NLEPEDKTTV[His357Pro]RKWSANEIQV

ClinVar aggregate classification (germline): Uncertain significance (1 of 4 stars; one submission).

Allele frequency attached by ClinVar (database versions not stated): gnomAD exomes below 0.00001.

Submission:

Ambry Genetics
Classification: Uncertain significance. Last evaluated: 2022-03-07. Review status: criteria provided, single submitter. Criteria: Ambry Variant Classification Scheme 2023. Collection method: clinical testing. Allele origin: germline.
Comment: The p.H357P variant (also known as c.1070A>C), located in coding exon 8 of the RECQL gene, results from an A to C substitution at nucleotide position 1070. The histidine at codon 357 is replaced by proline, an amino acid with similar properties. This amino acid position is conserved. In addition, this alteration is predicted to be deleterious by in silico analysis. Since supporting evidence is limited at this time, the clinical significance of this alteration remains unclear.